The following is an entry in ClinVar:

NM_001035.3(RYR2):c.6587G>A (p.Cys2196Tyr)

Gene: RYR2 (ryanodine receptor 2; plus strand). Cytogenetic location: 1q43.
Variant type: single nucleotide variant.
Coding change: c.6587G>A on transcript NM_001035.3 (MANE Select); coding-DNA position 6587, G replaced by A.
Protein change: p.Cys2196Tyr; replaces cysteine 2196 with tyrosine.
Molecular consequence: missense variant.
Genome position (GRCh38, 1-based): chr1:237,633,609, G>A. VCF-style: chr1-237633609-G-A. GRCh37 (hg19) VCF-style: chr1-237796909-G-A.
Other names: short protein forms C2196Y.
Identifiers: ClinVar variation 956603 (VCV000956603.11), dbSNP rs1680567505, ClinGen allele CA345393994.

ClinVar aggregate classification (germline): Uncertain significance (1 of 4 stars; one submission).

Conditions:
Catecholaminergic polymorphic ventricular tachycardia 1. Also called: VENTRICULAR TACHYCARDIA, CATECHOLAMINERGIC POLYMORPHIC, 1, WITH OR WITHOUT ATRIAL DYSFUNCTION AND/OR DILATED CARDIOMYOPATHY; VENTRICULAR TACHYCARDIA, STRESS-INDUCED POLYMORPHIC 1; RYR2-Related Catecholaminergic Polymorphic Ventricular Tachycardia. Identifiers: Orphanet 3286, MedGen C1631597, MONDO:0011484, OMIM 604772.

Allele frequency attached by ClinVar (database versions not stated): gnomAD exomes below 0.00001.
gnomAD v4.1: 2 of 1,613,968 alleles (0.00012%); highest among the groups gnomAD compares: South Asian, 0.0011%; no homozygotes.

Submission:

Labcorp Genetics (formerly Invitae), Labcorp
Classification: Uncertain significance for Catecholaminergic polymorphic ventricular tachycardia 1. Last evaluated: 2019-07-10. Review status: criteria provided, single submitter. Criteria: Invitae Variant Classification Sherloc (09022015). Collection method: clinical testing. Allele origin: germline.
Comment: This sequence change replaces cysteine with tyrosine at codon 2196 of the RYR2 protein (p.Cys2196Tyr). The cysteine residue is highly conserved and there is a large physicochemical difference between cysteine and tyrosine. This variant is not present in population databases (ExAC no frequency). This variant has not been reported in the literature in individuals with RYR2-related conditions. Algorithms developed to predict the effect of missense changes on protein structure and function (SIFT, PolyPhen-2, Align-GVGD) all suggest that this variant is likely to be disruptive, but these predictions have not been confirmed by published functional studies and their clinical significance is uncertain. In summary, the available evidence is currently insufficient to determine the role of this variant in disease. Therefore, it has been classified as a Variant of Uncertain Significance.